The following is an entry in ClinVar:

ClinVar aggregate classification (germline): Uncertain significance. Review status: criteria provided, multiple submitters, no conflicts (2 of 4 stars). 9 submissions from 9 submitters: Uncertain significance (9). Last evaluated 2025-01-27.

Conditions:
Cardiovascular phenotype. Identifiers: MedGen CN230736.
Cardiomyopathy (CMYO). Also called: Cardiomyopathies. Identifiers: Orphanet 167848, MedGen C0878544, MONDO:0004994, HP:0001638. Inheritance: Various modes of inheritance.
Hypertrophic cardiomyopathy. Also called: HYPERTROPHIC MYOCARDIOPATHY. Identifiers: Orphanet 217569, MedGen C0007194, MeSH D002312, MONDO:0005045, HP:0001639.

Allele frequency attached by ClinVar (database versions not stated): gnomAD exomes below 0.00001.

Submissions (9):

Dasa
Classification: Uncertain significance. Last evaluated: 2025-01-27. Review status: criteria provided, single submitter. Criteria: DASA Assertion Criteria. Collection method: clinical testing. Allele origin: germline.
Comment: NM_000257.4(MYH7):c.4915G>A (p.Ala1639Thr) is a missense variant that results in the substitution of alanine with threonine. This variant is rare in population databases. The currently available literature and clinical evidence are not sufficient to establish a definitive association between this variant and the reported condition. Therefore, this variant is classified as a variant of uncertain significance.

Color Diagnostics, LLC DBA Color Health
Classification: Uncertain significance for Cardiomyopathy. Last evaluated: 2025-01-02. Review status: criteria provided, single submitter. Criteria: ACMG Guidelines, 2015. Collection method: clinical testing. Allele origin: germline.
Comment: This missense variant replaces alanine with threonine at codon 1639 of the MYH7 protein. Computational prediction is inconclusive regarding the impact of this variant on protein structure and function. To our knowledge, functional studies have not been reported for this variant. This variant has not been reported in individuals affected with MYH7-related disorders in the literature. This variant has not been identified in the general population by the Genome Aggregation Database (gnomAD). The available evidence is insufficient to determine the role of this variant in disease conclusively. Therefore, this variant is classified as a Variant of Uncertain Significance.

CeGaT Center for Human Genetics Tuebingen
Classification: Uncertain significance. Last evaluated: 2024-11-01. Review status: criteria provided, single submitter. Criteria: CeGaT Center For Human Genetics Tuebingen Variant Classification Criteria Version 2. Collection method: clinical testing. Allele origin: germline. Affected: yes. Observed: 1 variant allele.
Comment: MYH7: PM2

All of Us Research Program, National Institutes of Health
Classification: Uncertain significance for Cardiomyopathy. Last evaluated: 2024-03-24. Review status: criteria provided, single submitter. Criteria: ACMG Guidelines, 2015. Collection method: clinical testing. Allele origin: germline. Inheritance: Autosomal dominant inheritance. Observed: 5 variant alleles, 5 heterozygotes.
Comment: This missense variant replaces alanine with threonine at codon 1639 of the MYH7 protein. Computational prediction is inconclusive regarding the impact of this variant on protein structure and function (internally defined REVEL score threshold 0.5 < inconclusive < 0.7, PMID: 27666373). To our knowledge, functional studies have not been reported for this variant. This variant has not been reported in individuals affected with MYH7-related disorders in the literature. This variant has not been identified in the general population by the Genome Aggregation Database (gnomAD). The available evidence is insufficient to determine the role of this variant in disease conclusively. Therefore, this variant is classified as a Variant of Uncertain Significance.

This study involves interpretation of variants in research participants for the purpose of population health screening. Participant phenotype was not available at the time of variant classification. Additional details can be found in publication PMID: 35346344, PMCID: PMC8962531

Labcorp Genetics (formerly Invitae), Labcorp
Classification: Uncertain significance for Hypertrophic cardiomyopathy. Last evaluated: 2024-02-10. Review status: criteria provided, single submitter. Criteria: Invitae Variant Classification Sherloc (09022015). Collection method: clinical testing. Allele origin: germline.
Comment: This sequence change replaces alanine, which is neutral and non-polar, with threonine, which is neutral and polar, at codon 1639 of the MYH7 protein (p.Ala1639Thr). This variant is not present in population databases (gnomAD no frequency). This missense change has been observed in individual(s) with hypertrophic cardiomyopathy (PMID: 30297972). ClinVar contains an entry for this variant (Variation ID: 218434). Advanced modeling of protein sequence and biophysical properties (such as structural, functional, and spatial information, amino acid conservation, physicochemical variation, residue mobility, and thermodynamic stability) performed at Invitae indicates that this missense variant is expected to disrupt MYH7 protein function with a positive predictive value of 95%. In summary, the available evidence is currently insufficient to determine the role of this variant in disease. Therefore, it has been classified as a Variant of Uncertain Significance.

Ambry Genetics
Classification: Uncertain significance for Cardiovascular phenotype. Last evaluated: 2023-10-17. Review status: criteria provided, single submitter. Criteria: Ambry Variant Classification Scheme 2023. Collection method: clinical testing. Allele origin: germline.
Comment: The p.A1639T variant (also known as c.4915G>A), located in coding exon 32 of the MYH7 gene, results from a G to A substitution at nucleotide position 4915. The alanine at codon 1639 is replaced by threonine, an amino acid with similar properties. This amino acid position is highly conserved in available vertebrate species. In addition, the in silico prediction for this alteration is inconclusive. Since supporting evidence is limited at this time, the clinical significance of this alteration remains unclear.

Revvity Omics, Revvity
Classification: Uncertain significance. Last evaluated: 2023-09-22. Review status: criteria provided, single submitter. Criteria: ACMG Guidelines, 2015. Collection method: clinical testing. Allele origin: germline.

Mayo Clinic Laboratories, Mayo Clinic
Classification: Uncertain significance. Last evaluated: 2020-03-26. Review status: criteria provided, single submitter. Criteria: ACMG Guidelines, 2015. Collection method: clinical testing. Allele origin: germline. Observed: 1 variant allele.

Genomic Diagnostic Laboratory, Division of Genomic Diagnostics, Children's Hospital of Philadelphia
Classification: Uncertain significance. Last evaluated: 2015-04-12. Review status: criteria provided, single submitter. Criteria: DGD Variant Analysis Guidelines. Collection method: clinical testing. Allele origin: unknown.

Literature cited by the submitters: PubMed 30297972 (cited by Labcorp Genetics (formerly Invitae), Labcorp).

NM_000257.4(MYH7):c.4915G>A (p.Ala1639Thr)

Genes: MHRT (myosin heavy chain associated RNA transcript; plus strand), MYH7 (myosin heavy chain 7; minus strand), LOC126861897 (BRD4-independent group 4 enhancer GRCh37_chr14:23884455-23885654; plus strand). Cytogenetic location: 14q11.2.
Variant type: single nucleotide variant.
Coding change: c.4915G>A on transcript NM_000257.4 (MANE Select); coding-DNA position 4915, G replaced by A.
Protein change: p.Ala1639Thr; replaces alanine 1639 with threonine.
Molecular consequence: missense variant. On other transcripts: non-coding transcript variant (1).
Genome position (GRCh38, 1-based): chr14:23,416,042, C>T on the plus strand (G>A on the coding strand, the complement: MYH7 is on the minus strand). VCF-style: chr14-23416042-C-T. GRCh37 (hg19) VCF-style: chr14-23885251-C-T.
Other names: c.4915G>A (LRG_384t1); short protein forms A1639T.
Identifiers: ClinVar variation 218434 (VCV000218434.34), dbSNP rs864309553, ClinGen allele CA248944.